The following is an entry in ClinVar:

NM_004629.2(FANCG):c.149T>C (p.Leu50Pro)

Gene: FANCG (FA complementation group G; minus strand). Cytogenetic location: 9p13.3.
Variant type: single nucleotide variant.
Coding change: c.149T>C on transcript NM_004629.2 (MANE Select); coding-DNA position 149, T replaced by C.
Protein change: p.Leu50Pro; replaces leucine 50 with proline.
Molecular consequence: missense variant.
Genome position (GRCh38, 1-based): chr9:35,079,177, A>G on the plus strand (T>C on the coding strand, the complement: FANCG is on the minus strand). VCF-style: chr9-35079177-A-G. GRCh37 (hg19) VCF-style: chr9-35079174-A-G.
Other names: short protein forms L50P.
Identifiers: ClinVar variation 3848436 (VCV003848436.1).

ClinVar aggregate classification (germline): Uncertain significance (1 of 4 stars; one submission).

Conditions:
Inborn genetic diseases. Identifiers: MedGen C0950123, MeSH D030342.

Submission:

Ambry Genetics
Classification: Uncertain significance for Inborn genetic diseases. Last evaluated: 2025-02-08. Review status: criteria provided, single submitter. Criteria: Ambry Variant Classification Scheme 2023. Collection method: clinical testing. Allele origin: germline.
Comment: The p.L50P variant (also known as c.149T>C), located in coding exon 2 of the FANCG gene, results from a T to C substitution at nucleotide position 149. The leucine at codon 50 is replaced by proline, an amino acid with similar properties. This amino acid position is conserved. In addition, the in silico prediction for this alteration is inconclusive. Based on the available evidence, the clinical significance of this variant remains unclear.